The following is an entry in ClinVar:

NM_000426.4(LAMA2):c.3924G>A (p.Glu1308=)

Gene: LAMA2 (laminin subunit alpha 2; plus strand). Cytogenetic location: 6q22.33.
Variant type: single nucleotide variant.
Coding change: c.3924G>A on transcript NM_000426.4 (MANE Select); coding-DNA position 3924, G replaced by A.
Protein change: p.Glu1308=; no amino-acid change (glutamic acid 1308 retained).
Molecular consequence: synonymous variant.
Genome position (GRCh38, 1-based): chr6:129,315,950, G>A. VCF-style: chr6-129315950-G-A. GRCh37 (hg19) VCF-style: chr6-129637095-G-A.
Other names: c.3924G>A, p.Glu1308= (NM_001079823.2).
Identifiers: ClinVar variation 2202095 (VCV002202095.1), dbSNP rs866850684, ClinGen allele CA146914348.
Genomic context (GRCh38, chr6:129,315,950, plus strand): 5'-CAGGCATATGGCTGCTCCTCTGATTGGCCAATTGACAAGGCATGAAATTGAAATGACAGA[G>A]GTAAAGTTAGTCATTGTTTGGTGCAAAGATACCAATCAATGGTTTTGCATTCAGTTTTGT-3'
Protein context (NP_000417.3, residues 1298-1318): QLTRHEIEMT[Glu1308=]KEWKYYGDDP

ClinVar aggregate classification (germline): Uncertain significance (1 of 4 stars; one submission).

Conditions:
LAMA2-related muscular dystrophy (LAMA2-RD). Also called: Laminin alpha 2-related dystrophy. Identifiers: MedGen C5679788, MONDO:0100228.

Allele frequency attached by ClinVar (database versions not stated): gnomAD exomes below 0.00001; gnomAD 0.00001.
gnomAD v4.1: 6 of 1,613,838 alleles (0.00037%); highest among the groups gnomAD compares: Non-Finnish European, 0.00042%; no homozygotes.

Submission:

Labcorp Genetics (formerly Invitae), Labcorp
Classification: Uncertain significance for LAMA2-related muscular dystrophy. Last evaluated: 2022-08-23. Review status: criteria provided, single submitter. Criteria: Invitae Variant Classification Sherloc (09022015). Collection method: clinical testing. Allele origin: germline.
Comment: This sequence change affects codon 1308 of the LAMA2 mRNA. It is a 'silent' change, meaning that it does not change the encoded amino acid sequence of the LAMA2 protein. This variant also falls at the last nucleotide of exon 26, which is part of the consensus splice site for this exon. This variant is not present in population databases (gnomAD no frequency). This variant has not been reported in the literature in individuals affected with LAMA2-related conditions. Variants that disrupt the consensus splice site are a relatively common cause of aberrant splicing (PMID: 17576681, 9536098). Algorithms developed to predict the effect of sequence changes on RNA splicing suggest that this variant may disrupt the consensus splice site. In summary, the available evidence is currently insufficient to determine the role of this variant in disease. Therefore, it has been classified as a Variant of Uncertain Significance.

Literature cited by the submitters: PubMed 17576681; PubMed 9536098.